The following is an entry in ClinVar:

ClinVar aggregate classification (germline): Uncertain significance (1 of 4 stars; one submission).

Conditions:
Multiple endocrine neoplasia, type 1 (MEN1). Also called: MEN I; WERMER SYNDROME; Endocrine adenomatosis multiple; MEN 1; MEA I. Identifiers: Orphanet 652, MedGen C0025267, MeSH D018761, MONDO:0007540, OMIM 131100.

Submission:

Labcorp Genetics (formerly Invitae), Labcorp
Classification: Uncertain significance for Multiple endocrine neoplasia, type 1. Last evaluated: 2024-06-11. Review status: criteria provided, single submitter. Criteria: Invitae Variant Classification Sherloc (09022015). Collection method: clinical testing. Allele origin: germline.
Comment: This sequence change replaces leucine, which is neutral and non-polar, with valine, which is neutral and non-polar, at codon 266 of the MEN1 protein (p.Leu266Val). This variant is not present in population databases (gnomAD no frequency). This variant has not been reported in the literature in individuals affected with MEN1-related conditions. Advanced modeling of protein sequence and biophysical properties (such as structural, functional, and spatial information, amino acid conservation, physicochemical variation, residue mobility, and thermodynamic stability) performed at Invitae indicates that this missense variant is expected to disrupt MEN1 protein function with a positive predictive value of 80%. In summary, the available evidence is currently insufficient to determine the role of this variant in disease. Therefore, it has been classified as a Variant of Uncertain Significance.

NM_001370259.2(MEN1):c.796C>G (p.Leu266Val)

Gene: MEN1 (menin 1; minus strand). Cytogenetic location: 11q13.1.
Variant type: single nucleotide variant.
Coding change: c.796C>G on transcript NM_001370259.2 (MANE Select); coding-DNA position 796, C replaced by G.
Protein change: p.Leu266Val; replaces leucine 266 with valine.
Molecular consequence: missense variant. On other transcripts: non-coding transcript variant (4).
Genome position (GRCh38, 1-based): chr11:64,807,207, G>C on the plus strand (C>G on the coding strand, the complement: MEN1 is on the minus strand). VCF-style: chr11-64807207-G-C. GRCh37 (hg19) VCF-style: chr11-64574679-G-C.
Other names: c.811C>G, p.Leu271Val (NM_000244.4, NM_001407145.1, NM_001407150.1 and 5 more transcripts); c.796C>G, p.Leu266Val (NM_001370251.2, NM_001370260.2, NM_001370261.2 and 7 more transcripts); c.691C>G, p.Leu231Val (NM_001370262.2, NM_001370263.2, NM_001407148.1 and 2 more transcripts); short protein forms L271V, L266V, L231V.
Identifiers: ClinVar variation 3634200 (VCV003634200.2).